The following is an entry in ClinVar:

ClinVar aggregate classification (germline): Uncertain significance. Review status: criteria provided, multiple submitters, no conflicts (2 of 4 stars). 3 submissions from 3 submitters: Uncertain significance (2). 1 of the submissions does not count toward it. Last evaluated 2025-08-28.

Conditions:
DICER1-related tumor predisposition. Also called: DICER1 syndrome; DICER1-related pleuropulmonary blastoma cancer predisposition syndrome. Identifiers: Orphanet 284343, MedGen C3839822, MONDO:0100216.
Hereditary cancer-predisposing syndrome. Also called: Tumor predisposition; Hereditary neoplastic syndrome; Neoplastic Syndromes, Hereditary; Hereditary Cancer Syndrome. Identifiers: Orphanet 140162, MedGen C0027672, MeSH D009386, MONDO:0015356.

Allele frequency attached by ClinVar (database versions not stated): gnomAD exomes below 0.00001 and 0.00001.

Submissions (3):

Labcorp Genetics (formerly Invitae), Labcorp
Classification: Uncertain significance for DICER1-related tumor predisposition. Last evaluated: 2025-08-28. Review status: criteria provided, single submitter. Criteria: Invitae Variant Classification Sherloc (09022015). Collection method: clinical testing. Allele origin: germline.
Comment: This sequence change replaces proline, which is neutral and non-polar, with leucine, which is neutral and non-polar, at codon 19 of the DICER1 protein (p.Pro19Leu). This variant is present in population databases (rs587778227, gnomAD 0.003%). This variant has not been reported in the literature in individuals affected with DICER1-related conditions. ClinVar contains an entry for this variant (Variation ID: 133963). Invitae Evidence Modeling of protein sequence and biophysical properties (such as structural, functional, and spatial information, amino acid conservation, physicochemical variation, residue mobility, and thermodynamic stability) indicates that this missense variant is not expected to disrupt DICER1 protein function with a negative predictive value of 95%. In summary, the available evidence is currently insufficient to determine the role of this variant in disease. Therefore, it has been classified as a Variant of Uncertain Significance.

Ambry Genetics
Classification: Uncertain significance for Hereditary cancer-predisposing syndrome. Last evaluated: 2022-01-13. Review status: criteria provided, single submitter. Criteria: Ambry Variant Classification Scheme 2023. Collection method: clinical testing. Allele origin: germline.
Comment: The p.P19L variant (also known as c.56C>T), located in coding exon 1 of the DICER1 gene, results from a C to T substitution at nucleotide position 56. The proline at codon 19 is replaced by leucine, an amino acid with similar properties. This variant was identified in a cohort of 681 ancestrally diverse, healthy subjects (Bodian DL et al. PLoS One, 2014 Apr;9:e94554). This amino acid position is highly conserved in available vertebrate species. In addition, the in silico prediction for this alteration is inconclusive. Since supporting evidence is limited at this time, the clinical significance of this alteration remains unclear.

ITMI
No classification provided. Condition: AllHighlyPenetrant. Last evaluated: 2013-09-19. Review status: no classification provided. Collection method: reference population. Allele origin: germline. Not counted in ClinVar's aggregate classification.
Comment: Please see associated publication for description of ethnicities

Literature cited by the submitters: PubMed 24728327 (cited by Ambry Genetics and ITMI).

NM_177438.3(DICER1):c.56C>T (p.Pro19Leu)

Gene: DICER1 (dicer 1, ribonuclease III; minus strand). Cytogenetic location: 14q32.13.
Variant type: single nucleotide variant.
Coding change: c.56C>T on transcript NM_177438.3 (MANE Select); coding-DNA position 56, C replaced by T.
Protein change: p.Pro19Leu; replaces proline 19 with leucine.
Molecular consequence: missense variant.
Genome position (GRCh38, 1-based): chr14:95,133,403, G>A on the plus strand (C>T on the coding strand, the complement: DICER1 is on the minus strand). VCF-style: chr14-95133403-G-A. GRCh37 (hg19) VCF-style: chr14-95599740-G-A.
Other names: c.56C>T, p.Pro19Leu (NM_001195573.1, NM_001271282.3, NM_001291628.2 and 1 more transcripts); short protein forms P19L.
Identifiers: ClinVar variation 133963 (VCV000133963.12), dbSNP rs587778227, ClinGen allele CA158258.
Genomic context (GRCh38, chr14:95,133,403, plus strand): 5'-TCATGAATTGCTTCTTGTTGCCATGGCAGTCCAAAGAAAGGACCCATTGGTGAGGAAGCA[G>A]GGGTCATGAGCTGCAGGCCTGCCATGCTGAGGGGTTGCAAAGCAGGGCTTTTCATTCATC-3'
Protein context (NP_803187.1, residues 9-29): LSMAGLQLMT[Pro19Leu]ASSPMGPFFG